The following is an entry in ClinVar:

ClinVar aggregate classification (germline): Uncertain significance. Review status: criteria provided, multiple submitters, no conflicts (2 of 4 stars). 2 submissions from 2 submitters: Uncertain significance (2). Last evaluated 2025-04-21.

Conditions:
Inborn genetic diseases. Identifiers: MedGen C0950123, MeSH D030342.

Allele frequency attached by ClinVar (database versions not stated): ESP Exome Variant Server 0.00008; gnomAD exomes below 0.00001 and 0.00001; TOPMed 0.00002; ExAC 0.00001; gnomAD 0.00003.
gnomAD v4.1: 10 of 1,614,056 alleles (0.00062%); highest among the groups gnomAD compares: African/African-American, 0.013%; no homozygotes.

Submissions (2):

Ambry Genetics
Classification: Uncertain significance for Inborn genetic diseases. Last evaluated: 2025-04-21. Review status: criteria provided, single submitter. Criteria: Ambry Variant Classification Scheme 2023. Collection method: clinical testing. Allele origin: germline.

Labcorp Genetics (formerly Invitae), Labcorp
Classification: Uncertain significance. Last evaluated: 2021-10-22. Review status: criteria provided, single submitter. Criteria: Invitae Variant Classification Sherloc (09022015). Collection method: clinical testing. Allele origin: germline.
Comment: This sequence change replaces serine with cysteine at codon 100 of the EIF2B2 protein (p.Ser100Cys). The serine residue is highly conserved and there is a moderate physicochemical difference between serine and cysteine. This variant is present in population databases (rs368133564, ExAC 0.01%). This variant has not been reported in the literature in individuals affected with EIF2B2-related conditions. Algorithms developed to predict the effect of missense changes on protein structure and function are either unavailable or do not agree on the potential impact of this missense change (SIFT: "Deleterious"; PolyPhen-2: "Benign"; Align-GVGD: "Class C0"). In summary, the available evidence is currently insufficient to determine the role of this variant in disease. Therefore, it has been classified as a Variant of Uncertain Significance.

NM_014239.4(EIF2B2):c.298A>T (p.Ser100Cys)

Gene: EIF2B2 (eukaryotic translation initiation factor 2B subunit beta; plus strand). Cytogenetic location: 14q24.3.
Variant type: single nucleotide variant.
Coding change: c.298A>T on transcript NM_014239.4 (MANE Select); coding-DNA position 298, A replaced by T.
Protein change: p.Ser100Cys; replaces serine 100 with cysteine.
Molecular consequence: missense variant.
Genome position (GRCh38, 1-based): chr14:75,003,564, A>T. VCF-style: chr14-75003564-A-T. GRCh37 (hg19) VCF-style: chr14-75470267-A-T.
Other names: c.298A>T (NM_014239.3); short protein forms S100C.
Identifiers: ClinVar variation 1496378 (VCV001496378.4), dbSNP rs368133564, ClinGen allele CA7274865.